The following is an entry in ClinVar:

NM_174936.4(PCSK9):c.1679C>T (p.Thr560Ile)

Gene: PCSK9 (proprotein convertase subtilisin/kexin type 9; plus strand). Cytogenetic location: 1p32.3.
Variant type: single nucleotide variant.
Coding change: c.1679C>T on transcript NM_174936.4 (MANE Select); coding-DNA position 1679, C replaced by T.
Protein change: p.Thr560Ile; replaces threonine 560 with isoleucine.
Molecular consequence: missense variant. On other transcripts: non-coding transcript variant (7), intron variant (1).
Genome position (GRCh38, 1-based): chr1:55,059,661, C>T. VCF-style: chr1-55059661-C-T. GRCh37 (hg19) VCF-style: chr1-55525334-C-T.
Other names: c.1802C>T, p.Thr601Ile (NM_001407240.1); c.1721C>T, p.Thr574Ile (NM_001407241.1); c.1682C>T, p.Thr561Ile (NM_001407242.1); c.1622C>T, p.Thr541Ile (NM_001407243.1); c.1505C>T, p.Thr502Ile (NM_001407244.1); c.1487C>T, p.Thr496Ile (NM_001407245.1); c.1304C>T, p.Thr435Ile (NM_001407246.1); c.1181-1714C>T (NM_001407247.1); short protein forms T435I, T496I, T502I, T541I, T560I, T561I, T574I, T601I.
Identifiers: ClinVar variation 3071430 (VCV003071430.4), dbSNP rs767632479, ClinGen allele CA038295.

ClinVar aggregate classification (germline): Uncertain significance. Review status: criteria provided, multiple submitters, no conflicts (2 of 4 stars). 4 submissions from 4 submitters: Uncertain significance (4). Last evaluated 2025-05-27.

Conditions:
Hypercholesterolemia, autosomal dominant, 3 (FHCL3). Also called: Familial Hypercholesterolemia, Autosomal Dominant, 3; PCSK9-Related Familial Hypercholesterolemia, Autosomal Dominant; Familial hypercholesterolemia 3. Identifiers: MedGen C1863551, MONDO:0011369, OMIM 603776.
Familial hypercholesterolemia. Also called: Familial hypercholesterolemias; Familial hypercholesterolaemia. Identifiers: MedGen C0020445, MONDO:0005439.
Cardiovascular phenotype. Identifiers: MedGen CN230736.

Allele frequency attached by ClinVar (database versions not stated): TOPMed below 0.00001; gnomAD 0.00001; ExAC 0.00005.

Submissions (4):

Ambry Genetics
Classification: Uncertain significance for Cardiovascular phenotype. Last evaluated: 2025-05-27. Review status: criteria provided, single submitter. Criteria: Ambry Variant Classification Scheme 2023. Collection method: clinical testing. Allele origin: germline.
Comment: The p.T560I variant (also known as c.1679C>T), located in coding exon 10 of the PCSK9 gene, results from a C to T substitution at nucleotide position 1679. The threonine at codon 560 is replaced by isoleucine, an amino acid with similar properties. This amino acid position is conserved. In addition, the in silico prediction for this alteration is inconclusive. Based on the available evidence, the clinical significance of this variant remains unclear.

GeneDx
Classification: Uncertain significance. Last evaluated: 2025-03-16. Review status: criteria provided, single submitter. Criteria: GeneDx Variant Classification Process June 2021. Collection method: clinical testing. Allele origin: germline. Affected: yes.
Comment: Not observed at significant frequency in large population cohorts (gnomAD); In silico analysis supports that this missense variant has a deleterious effect on protein structure/function; Has not been previously published as pathogenic or benign to our knowledge

Color Diagnostics, LLC DBA Color Health
Classification: Uncertain significance for Familial hypercholesterolemia. Last evaluated: 2025-01-13. Review status: criteria provided, single submitter. Criteria: ACMG Guidelines, 2015. Collection method: clinical testing. Allele origin: germline.
Comment: This missense variant replaces threonine with isoleucine at codon 560 of the PCSK9 protein. Computational prediction suggests that this variant may not impact protein structure and function. To our knowledge, functional studies have not been reported for this variant. This variant has not been reported in individuals affected with PCSK9-related disorders in the literature. This variant has been identified in 1/156018 chromosomes in the general population by the Genome Aggregation Database (gnomAD). The available evidence is insufficient to determine the role of this variant in disease conclusively. Therefore, this variant is classified as a Variant of Uncertain Significance.

All of Us Research Program, National Institutes of Health
Classification: Uncertain significance for Hypercholesterolemia, autosomal dominant, 3. Last evaluated: 2023-08-15. Review status: criteria provided, single submitter. Criteria: ACMG Guidelines, 2015. Collection method: clinical testing. Allele origin: germline. Inheritance: Autosomal dominant inheritance. Observed: 3 variant alleles, 3 heterozygotes.
Comment: This study involves interpretation of variants in research participants for the purpose of population health screening. Participant phenotype was not available at the time of variant classification. Additional details can be found in publication PMID: 35346344, PMCID: PMC8962531